The following is an entry in ClinVar:

NM_020754.4(ARHGAP31):c.2471C>T (p.Ser824Phe)

Gene: ARHGAP31 (Rho GTPase activating protein 31; plus strand). Cytogenetic location: 3q13.33.
Variant type: single nucleotide variant.
Coding change: c.2471C>T on transcript NM_020754.4 (MANE Select); coding-DNA position 2471, C replaced by T.
Protein change: p.Ser824Phe; replaces serine 824 with phenylalanine.
Molecular consequence: missense variant.
Genome position (GRCh38, 1-based): chr3:119,414,400, C>T. VCF-style: chr3-119414400-C-T. GRCh37 (hg19) VCF-style: chr3-119133247-C-T.
Other names: short protein forms S824F.
Identifiers: ClinVar variation 1683707 (VCV001683707.2), dbSNP rs1395872373, ClinGen allele CA354051474.
Genomic context (GRCh38, chr3:119,414,400, plus strand): 5'-CGGAAAGAGAAGACTCATCCAGGAAATTGAGGACAGATCTCTACATAGACCAGCTGAAGT[C>T]CCAAGACAGCCCTGAGATCTCTAGCCTCTGTCAGGGAGAGGAGGCAACCCCAAGACACAG-3'
Protein context (NP_065805.2, residues 814-834): RTDLYIDQLK[Ser824Phe]QDSPEISSLC

ClinVar aggregate classification (germline): Uncertain significance (1 of 4 stars; one submission).

Conditions:
Adams-Oliver syndrome 1 (AOS1). Also called: APLASIA CUTIS CONGENITA WITH TERMINAL TRANSVERSE LIMB DEFECTS; CONGENITAL SCALP DEFECTS WITH DISTAL LIMB REDUCTION ANOMALIES; ABSENCE DEFECT OF LIMBS, SCALP, AND SKULL. Identifiers: Orphanet 974, MedGen C4551482, MONDO:0024506, OMIM 100300.

Allele frequency attached by ClinVar (database versions not stated): gnomAD exomes below 0.00001; TOPMed below 0.00001.
gnomAD v4.1: 1 of 1,614,200 alleles (0.000062%); highest among the groups gnomAD compares: Admixed American, 0.0017%; no homozygotes.

Submission:

Laboratorio de Genetica e Diagnostico Molecular, Hospital Israelita Albert Einstein
Classification: Uncertain significance for Adams-Oliver syndrome 1. Last evaluated: 2021-07-06. Review status: criteria provided, single submitter. Criteria: ACMG Guidelines, 2015. Collection method: clinical testing. Allele origin: germline. Affected: yes.
Comment: ACMG classification criteria: PM2 moderate, BP4 supporting